The following is an entry in ClinVar:

ClinVar aggregate classification (germline): Uncertain significance (1 of 4 stars; one submission).

Conditions:
Hyperphosphatasia with intellectual disability syndrome 5 (GPIBD11). Also called: GLYCOSYLPHOSPHATIDYLINOSITOL BIOSYNTHESIS DEFECT 11. Identifiers: Orphanet 247262, MedGen C4014958, MONDO:0014457, OMIM 616025.

Submission:

Labcorp Genetics (formerly Invitae), Labcorp
Classification: Uncertain significance for Hyperphosphatasia with intellectual disability syndrome 5. Last evaluated: 2022-07-15. Review status: criteria provided, single submitter. Criteria: Invitae Variant Classification Sherloc (09022015). Collection method: clinical testing. Allele origin: germline.
Comment: This sequence change creates a premature translational stop signal (p.Asn259*) in the PIGW gene. While this is not anticipated to result in nonsense mediated decay, it is expected to disrupt the last 246 amino acid(s) of the PIGW protein. This variant is present in population databases (rs781551274, gnomAD 0.007%). This variant has not been reported in the literature in individuals affected with PIGW-related conditions. Experimental studies and prediction algorithms are not available or were not evaluated, and the functional significance of this variant is currently unknown. In summary, the available evidence is currently insufficient to determine the role of this variant in disease. Therefore, it has been classified as a Variant of Uncertain Significance.

NM_001346754.2(PIGW):c.775_776del (p.Leu258_Asn259insTer)

Genes: MYO19 (myosin XIX; minus strand), PIGW (phosphatidylinositol glycan anchor biosynthesis class W; plus strand). Cytogenetic location: 17q12.
Variant type: Deletion.
Coding change: c.775_776del on transcript NM_001346754.2 (MANE Select); coding-DNA positions 775 to 776, 2 bases deleted (AA; older notation c.775_776delAA).
Protein change: p.Leu258_Asn259insTer.
Molecular consequence: nonsense.
Genome position (GRCh38, 1-based): chr17:36,537,876-36,537,877, AA deleted; deleting any 2 consecutive bases within chr17:36,537,875-36,537,877 gives the same sequence; the c. name uses the placement nearest the transcript's 3' end. VCF-style (leftmost placement, unchanged base first): chr17-36537874-TAA-T. GRCh37 (hg19) VCF-style: chr17-34893723-TAA-T.
Other names: c.775_776del, p.Leu258_Asn259insTer (NM_001346755.2, NM_178517.5).
Identifiers: ClinVar variation 2046011 (VCV002046011.1), dbSNP rs781551274, ClinGen allele CA290116241.